The following is an entry in ClinVar:

ClinVar aggregate classification (germline): Uncertain significance (1 of 4 stars; one submission).

Conditions:
Familial cancer of breast. Also called: BREAST CANCER, FAMILIAL; Hereditary breast cancer; hereditary breast carcinoma. Identifiers: Orphanet 227535, MedGen C0346153, MONDO:0016419, OMIM 114480. Disease mechanism: loss of function.

Submission:

Labcorp Genetics (formerly Invitae), Labcorp
Classification: Uncertain significance for Familial cancer of breast. Last evaluated: 2022-09-22. Review status: criteria provided, single submitter. Criteria: Invitae Variant Classification Sherloc (09022015). Collection method: clinical testing. Allele origin: germline.
Comment: This variant has not been reported in the literature in individuals affected with PALB2-related conditions. This variant is not present in population databases (gnomAD no frequency). This sequence change replaces aspartic acid, which is acidic and polar, with glutamic acid, which is acidic and polar, at codon 952 of the PALB2 protein (p.Asp952Glu). ClinVar contains an entry for this variant (Variation ID: 963144). In summary, the available evidence is currently insufficient to determine the role of this variant in disease. Therefore, it has been classified as a Variant of Uncertain Significance. Algorithms developed to predict the effect of sequence changes on RNA splicing suggest that this variant may create or strengthen a splice site. Advanced modeling of protein sequence and biophysical properties (such as structural, functional, and spatial information, amino acid conservation, physicochemical variation, residue mobility, and thermodynamic stability) performed at Invitae indicates that this missense variant is not expected to disrupt PALB2 protein function.

NM_024675.4(PALB2):c.2856T>G (p.Asp952Glu)

Gene: PALB2 (partner and localizer of BRCA2; minus strand). Cytogenetic location: 16p12.2.
Variant type: single nucleotide variant.
Coding change: c.2856T>G on transcript NM_024675.4 (MANE Select); coding-DNA position 2856, T replaced by G.
Protein change: p.Asp952Glu; replaces aspartic acid 952 with glutamic acid.
Molecular consequence: missense variant.
Genome position (GRCh38, 1-based): chr16:23,623,109, A>C on the plus strand (T>G on the coding strand, the complement: PALB2 is on the minus strand). VCF-style: chr16-23623109-A-C. GRCh37 (hg19) VCF-style: chr16-23634430-A-C.
Other names: short protein forms D952E.
Identifiers: ClinVar variation 963144 (VCV000963144.9), dbSNP rs1966804681, ClinGen allele CA395144465.